The following is an entry in ClinVar:

ClinVar aggregate classification (germline): Uncertain significance. Review status: criteria provided, multiple submitters, no conflicts (2 of 4 stars). 2 submissions from 2 submitters: Uncertain significance (2). Last evaluated 2025-08-21.

Conditions:
Inborn genetic diseases. Identifiers: MedGen C0950123, MeSH D030342.

Allele frequency attached by ClinVar (database versions not stated): gnomAD exomes 0.00002 and 0.00010; gnomAD 0.00004 and 0.00005; TOPMed 0.00005; ExAC 0.00007; 1000 Genomes Project 0.00020; 1000 Genomes Project 30x 0.00031.
gnomAD v4.1: 40 of 1,614,182 alleles (0.0025%); highest among the groups gnomAD compares: East Asian, 0.058%; no homozygotes.

Submissions (2):

Labcorp Genetics (formerly Invitae), Labcorp
Classification: Uncertain significance. Last evaluated: 2025-08-21. Review status: criteria provided, single submitter. Criteria: Invitae Variant Classification Sherloc (09022015). Collection method: clinical testing. Allele origin: germline.
Comment: This sequence change replaces threonine, which is neutral and polar, with serine, which is neutral and polar, at codon 327 of the EMC1 protein (p.Thr327Ser). This variant is present in population databases (rs558044673, gnomAD 0.1%). This variant has not been reported in the literature in individuals affected with EMC1-related conditions. ClinVar contains an entry for this variant (Variation ID: 936197). Invitae Evidence Modeling of protein sequence and biophysical properties (such as structural, functional, and spatial information, amino acid conservation, physicochemical variation, residue mobility, and thermodynamic stability) indicates that this missense variant is not expected to disrupt EMC1 protein function with a negative predictive value of 80%. In summary, the available evidence is currently insufficient to determine the role of this variant in disease. Therefore, it has been classified as a Variant of Uncertain Significance.

Ambry Genetics
Classification: Uncertain significance for Inborn genetic diseases. Last evaluated: 2025-04-18. Review status: criteria provided, single submitter. Criteria: Ambry Variant Classification Scheme 2023. Collection method: clinical testing. Allele origin: germline.

NM_015047.3(EMC1):c.980C>G (p.Thr327Ser)

Genes: EMC1 (ER membrane protein complex subunit 1; minus strand), EMC1-AS1 (EMC1 antisense RNA 1; plus strand). Cytogenetic location: 1p36.13.
Variant type: single nucleotide variant.
Coding change: c.980C>G on transcript NM_015047.3 (MANE Select); coding-DNA position 980, C replaced by G.
Protein change: p.Thr327Ser; replaces threonine 327 with serine.
Molecular consequence: missense variant.
Genome position (GRCh38, 1-based): chr1:19,239,277, G>C on the plus strand (C>G on the coding strand, the complement: EMC1 is on the minus strand). VCF-style: chr1-19239277-G-C. GRCh37 (hg19) VCF-style: chr1-19565771-G-C.
Other names: c.980C>G, p.Thr327Ser (NM_001271427.2, NM_001271428.2, NM_001375820.1 and 1 more transcripts); c.914C>G, p.Thr305Ser (NM_001271429.2); c.980C>G (NM_015047.1); short protein forms T327S, T305S.
Identifiers: ClinVar variation 936197 (VCV000936197.12), dbSNP rs558044673, ClinGen allele CA652726.